The following is an entry in ClinVar:

NM_001286611.2(REPS1):c.875A>G (p.Gln292Arg)

Gene: REPS1 (RALBP1 associated Eps domain containing 1; minus strand). Cytogenetic location: 6q24.1.
Variant type: single nucleotide variant.
Coding change: c.875A>G on transcript NM_001286611.2 (MANE Select); coding-DNA position 875, A replaced by G.
Protein change: p.Gln292Arg; replaces glutamine 292 with arginine.
Molecular consequence: missense variant.
Genome position (GRCh38, 1-based): chr6:138,943,894, T>C on the plus strand (A>G on the coding strand, the complement: REPS1 is on the minus strand). VCF-style: chr6-138943894-T-C. GRCh37 (hg19) VCF-style: chr6-139265031-T-C.
Other names: c.875A>G, p.Gln292Arg (NM_001128617.3, NM_001286612.2, NM_031922.5); short protein forms Q292R.
Identifiers: ClinVar variation 2898927 (VCV002898927.3), dbSNP rs1339029708, ClinGen allele CA365813407.

ClinVar aggregate classification (germline): Uncertain significance (1 of 4 stars; one submission).

Allele frequency attached by ClinVar (database versions not stated): gnomAD exomes below 0.00001.
gnomAD v4.1: 2 of 1,613,716 alleles (0.00012%); highest among the groups gnomAD compares: Admixed American, 0.0033%; no homozygotes.

Submission:

Labcorp Genetics (formerly Invitae), Labcorp
Classification: Uncertain significance. Last evaluated: 2022-12-25. Review status: criteria provided, single submitter. Criteria: Invitae Variant Classification Sherloc (09022015). Collection method: clinical testing. Allele origin: germline.
Comment: This sequence change replaces glutamine, which is neutral and polar, with arginine, which is basic and polar, at codon 292 of the REPS1 protein (p.Gln292Arg). In summary, the available evidence is currently insufficient to determine the role of this variant in disease. Therefore, it has been classified as a Variant of Uncertain Significance. Advanced modeling of protein sequence and biophysical properties (such as structural, functional, and spatial information, amino acid conservation, physicochemical variation, residue mobility, and thermodynamic stability) performed at Invitae indicates that this missense variant is expected to disrupt REPS1 protein function. This variant has not been reported in the literature in individuals affected with REPS1-related conditions. This variant is present in population databases (no rsID available, gnomAD 0.003%).